The following is an entry in ClinVar:

NM_001282225.2(ADA2):c.935G>A (p.Arg312Gln)

Gene: ADA2 (adenosine deaminase 2; minus strand). Cytogenetic location: 22q11.1.
Variant type: single nucleotide variant.
Coding change: c.935G>A on transcript NM_001282225.2 (MANE Select); coding-DNA position 935, G replaced by A.
Protein change: p.Arg312Gln; replaces arginine 312 with glutamine.
Molecular consequence: missense variant.
Genome position (GRCh38, 1-based): chr22:17,189,979, C>T on the plus strand (G>A on the coding strand, the complement: ADA2 is on the minus strand). VCF-style: chr22-17189979-C-T. GRCh37 (hg19) VCF-style: chr22-17670869-C-T.
Other names: c.935G>A, p.Arg312Gln (NM_001282226.2); c.809G>A, p.Arg270Gln (NM_001282227.2, NM_001282228.2); c.575G>A, p.Arg192Gln (NM_001282229.2); c.212G>A, p.Arg71Gln (NM_177405.3); short protein forms R192Q, R312Q, R270Q, R71Q.
Identifiers: ClinVar variation 1044651 (VCV001044651.11), dbSNP rs746970158, ClinGen allele CA10088042.

ClinVar aggregate classification (germline): Uncertain significance. Review status: criteria provided, multiple submitters, no conflicts (2 of 4 stars). 2 submissions from 2 submitters: Uncertain significance (2). Last evaluated 2026-04-01.

Conditions:
Deficiency of adenosine deaminase 2. Also called: VASCULITIS, AUTOINFLAMMATION, IMMUNODEFICIENCY, AND HEMATOLOGIC DEFECTS SYNDROME; Polyarteritis nodosa, childhoood-onset; Adenosine Deaminase 2 Deficiency. Identifiers: Orphanet 404553, MedGen C3887654, MONDO:0014306, OMIM 615688, MONDO:0100317.

Allele frequency attached by ClinVar (database versions not stated): TOPMed 0.00001; ExAC 0.00002; gnomAD 0.00002 and 0.00004; gnomAD exomes 0.00002 and 0.00004.
gnomAD v4.1: 37 of 1,613,962 alleles (0.0023%); highest among the groups gnomAD compares: East Asian, 0.022%; no homozygotes.

Submissions (2):

CeGaT Center for Human Genetics Tuebingen
Classification: Uncertain significance. Last evaluated: 2026-04-01. Review status: criteria provided, single submitter. Criteria: CeGaT Center For Human Genetics Tuebingen Variant Classification Criteria Version 2. Collection method: clinical testing. Allele origin: germline. Affected: yes. Observed: 1 variant allele.
Comment: ADA2: PM2

Labcorp Genetics (formerly Invitae), Labcorp
Classification: Uncertain significance for Deficiency of adenosine deaminase 2. Last evaluated: 2021-07-07. Review status: criteria provided, single submitter. Criteria: Invitae Variant Classification Sherloc (09022015). Collection method: clinical testing. Allele origin: germline.
Comment: This variant is present in population databases (rs746970158, ExAC 0.003%). This sequence change replaces arginine with glutamine at codon 312 of the ADA2 protein (p.Arg312Gln). The arginine residue is highly conserved and there is a small physicochemical difference between arginine and glutamine. This variant has not been reported in the literature in individuals with ADA2-related conditions. Algorithms developed to predict the effect of missense changes on protein structure and function (SIFT, PolyPhen-2, Align-GVGD) all suggest that this variant is likely to be tolerated, but these predictions have not been confirmed by published functional studies and their clinical significance is uncertain. In summary, the available evidence is currently insufficient to determine the role of this variant in disease. Therefore, it has been classified as a Variant of Uncertain Significance.